The following is an entry in ClinVar:

ClinVar aggregate classification (germline): Pathogenic (1 of 4 stars; one submission).

Submission:

GeneDx
Classification: Pathogenic. Last evaluated: 2025-01-13. Review status: criteria provided, single submitter. Criteria: GeneDx Variant Classification Process June 2021. Collection method: clinical testing. Allele origin: germline. Affected: yes.
Comment: Frameshift variant predicted to result in protein truncation or nonsense mediated decay in a gene for which loss of function is a known mechanism of disease; Not observed at significant frequency in large population cohorts (gnomAD); Has not been previously published as pathogenic or benign to our knowledge

NM_001003694.2(BRPF1):c.2594_2597del (p.Asp865fs)

Gene: BRPF1 (bromodomain and PHD finger containing 1; plus strand). Cytogenetic location: 3p25.3.
Variant type: Deletion.
Coding change: c.2594_2597del on transcript NM_001003694.2 (MANE Select); coding-DNA positions 2594 to 2597, 4 bases deleted (ATAG; older notation c.2594_2597delATAG).
Protein change: p.Asp865fs; shifts the reading frame from aspartic acid 865.
Molecular consequence: frameshift variant. On other transcripts: non-coding transcript variant (1).
Genome position (GRCh38, 1-based): chr3:9,743,860-9,743,863, ATAG deleted; deleting any 4 consecutive bases within chr3:9,743,858-9,743,863 gives the same sequence; the c. name uses the placement nearest the transcript's 3' end. VCF-style (leftmost placement, unchanged base first): chr3-9743857-CAGAT-C. GRCh37 (hg19) VCF-style: chr3-9785541-CAGAT-C.
Other names: c.2576_2579del, p.Asp859fs (NM_001319049.2, NM_004634.3); c.2573_2576del, p.Asp858fs (NM_001319050.2); c.2594_2597delATAG (NM_001003694.1); c.2594_2597del (NM_001003694.1); short protein forms D859fs, D858fs, D865fs.
Identifiers: ClinVar variation 818056 (VCV000818056.4), dbSNP rs1575164369, ClinGen allele CA915941875.
Genomic context (GRCh38, chr3:9,743,857, plus strand): 5'-GCCCCTCGAGCCGGGGTAGTCTGACACCCCACCCGGCAGCCTGTGACAAGGATGGGCAGA[CAGAT>C]AGTGCGGCAGAGGAGAGCAGCAGCCAGGAGACAAGCAAAGGTCTGAATCCCATGGCAAGG-3'